The following is an entry in ClinVar:

ClinVar aggregate classification (germline): Uncertain significance (1 of 4 stars; one submission).

Conditions:
Charcot-Marie-Tooth Neuropathy X. Identifiers: MedGen CN118851.

Submission:

Labcorp Genetics (formerly Invitae), Labcorp
Classification: Uncertain significance for Charcot-Marie-Tooth Neuropathy X. Last evaluated: 2023-02-25. Review status: criteria provided, single submitter. Criteria: Invitae Variant Classification Sherloc (09022015). Collection method: clinical testing. Allele origin: germline.
Comment: This sequence change replaces histidine, which is basic and polar, with glutamine, which is neutral and polar, at codon 123 of the GJB1 protein (p.His123Gln). This variant is not present in population databases (gnomAD no frequency). This variant has not been reported in the literature in individuals affected with GJB1-related conditions. Advanced modeling of protein sequence and biophysical properties (such as structural, functional, and spatial information, amino acid conservation, physicochemical variation, residue mobility, and thermodynamic stability) performed at Invitae indicates that this missense variant is not expected to disrupt GJB1 protein function. In summary, the available evidence is currently insufficient to determine the role of this variant in disease. Therefore, it has been classified as a Variant of Uncertain Significance.

NM_000166.6(GJB1):c.369C>A (p.His123Gln)

Gene: GJB1 (gap junction protein beta 1; plus strand). Cytogenetic location: Xq13.1.
Variant type: single nucleotide variant.
Coding change: c.369C>A on transcript NM_000166.6 (MANE Select); coding-DNA position 369, C replaced by A.
Protein change: p.His123Gln; replaces histidine 123 with glutamine.
Molecular consequence: missense variant.
Genome position (GRCh38, 1-based): chrX:71,224,076, C>A. VCF-style: chrX-71224076-C-A. GRCh37 (hg19) VCF-style: chrX-70443926-C-A.
Other names: c.369C>A, p.His123Gln (NM_001097642.3); short protein forms H123Q.
Identifiers: ClinVar variation 2836792 (VCV002836792.3), dbSNP rs2519798379, ClinGen allele CA413502054.